The following is an entry in ClinVar:

NM_014314.4(RIGI):c.2290T>G (p.Ser764Ala)

Gene: RIGI (RNA sensor RIG-I; minus strand). Cytogenetic location: 9p21.1.
Variant type: single nucleotide variant.
Coding change: c.2290T>G on transcript NM_014314.4 (MANE Select); coding-DNA position 2290, T replaced by G.
Protein change: p.Ser764Ala; replaces serine 764 with alanine.
Molecular consequence: missense variant.
Genome position (GRCh38, 1-based): chr9:32,466,337, A>C on the plus strand (T>G on the coding strand, the complement: RIGI is on the minus strand). VCF-style: chr9-32466337-A-C. GRCh37 (hg19) VCF-style: chr9-32466335-A-C.
Other names: c.2284T>G, p.Ser762Ala (NM_001385907.1); c.2119T>G, p.Ser707Ala (NM_001385909.1); c.1849T>G, p.Ser617Ala (NM_001385910.1); c.1681T>G, p.Ser561Ala (NM_001385912.1); c.2275T>G, p.Ser759Ala (NM_001385913.1); c.1846T>G, p.Ser616Ala (NM_001385914.1); short protein forms S561A, S616A, S707A, S759A, S762A, S764A, S617A.
Identifiers: ClinVar variation 2723816 (VCV002723816.3), dbSNP rs2489292853, ClinGen allele CA373145470.

ClinVar aggregate classification (germline): Uncertain significance (1 of 4 stars; one submission).

Submission:

Labcorp Genetics (formerly Invitae), Labcorp
Classification: Uncertain significance. Last evaluated: 2025-11-10. Review status: criteria provided, single submitter. Criteria: Invitae Variant Classification Sherloc (09022015). Collection method: clinical testing. Allele origin: germline.
Comment: This sequence change replaces serine, which is neutral and polar, with alanine, which is neutral and non-polar, at codon 764 of the DDX58 protein (p.Ser764Ala). This variant is not present in population databases (gnomAD no frequency). This variant has not been reported in the literature in individuals affected with DDX58-related conditions. ClinVar contains an entry for this variant (Variation ID: 2723816). Invitae Evidence Modeling of protein sequence and biophysical properties (such as structural, functional, and spatial information, amino acid conservation, physicochemical variation, residue mobility, and thermodynamic stability) indicates that this missense variant is not expected to disrupt DDX58 protein function with a negative predictive value of 80%. In summary, the available evidence is currently insufficient to determine the role of this variant in disease. Therefore, it has been classified as a Variant of Uncertain Significance.